The following is an entry in ClinVar:

NM_007294.4(BRCA1):c.3621_3622delinsAG (p.Lys1208Glu)

Genes: BRCA1 (BRCA1 DNA repair associated; minus strand), LOC126862571 (BRD4-independent group 4 enhancer GRCh37_chr17:41243136-41244335; plus strand). Cytogenetic location: 17q21.31.
Variant type: Indel.
Coding change: c.3621_3622delinsAG on transcript NM_007294.4 (MANE Select); coding-DNA positions 3621 to 3622, GA replaced by AG.
Protein change: p.Lys1208Glu; replaces lysine 1208 with glutamic acid.
Molecular consequence: missense variant. On other transcripts: intron variant (135).
Genome position (GRCh38, 1-based): chr17:43,091,909-43,091,910, TC replaced by CT on the plus strand (GA replaced by AG on the coding strand, the reverse complement: BRCA1 is on the minus strand). VCF-style: chr17-43091909-TC-CT. GRCh37 (hg19) VCF-style: chr17-41243926-TC-CT.
Other names: c.3477_3478delinsAG, p.Lys1160Glu (NM_001407943.1, NM_001407964.1, NM_001407740.1 and 20 more transcripts); c.3480_3481delinsAG, p.Lys1161Glu (NM_001407944.1, NM_001407945.1, NM_007297.4 and 29 more transcripts); c.3288_3289delinsAG, p.Lys1097Glu (NM_001407946.1, NM_001407947.1, NM_001407948.1 and 6 more transcripts); c.3285_3286delinsAG, p.Lys1096Glu (NM_001407954.1, NM_001407955.1, NM_001407956.1 and 1 more transcripts); c.3240_3241delinsAG, p.Lys1081Glu (NM_001407959.1, NM_001407960.1, NM_001407963.1); c.3237_3238delinsAG, p.Lys1080Glu (NM_001407962.1); c.3117_3118delinsAG, p.Lys1040Glu (NM_001407965.1); c.2733_2734delinsAG, p.Lys912Glu (NM_001407966.1, NM_001407967.1); and 41 more; short protein forms K1161E, K1208E, K1096E, K1137E, K1140E, K1205E, K1207E, K1081E.
Identifiers: ClinVar variation 630631 (VCV000630631.17), dbSNP rs1567790889, ClinGen allele CA913187817.
Genomic context (GRCh38, chr17:43,091,909, plus strand): 5'-GTTGGAAGCAGGGAAGCTCTTCATCCTCACTAGATAAGTTCTCTTCTGAGGACTCTAATT[TC>CT]TTGGCCCCTCTTCGGTAACCCTGAGCCAAATGTGTATGGGTGAAAGGGCTAGGACTCCTG-3'
Protein context (NP_009225.1, residues 1198-1218): LAQGYRRGAK[Lys1208Glu]LESSEENLSS

ClinVar aggregate classification (germline): Conflicting classifications of pathogenicity. Review status: criteria provided, conflicting classifications (1 of 4 stars). 3 submissions from 3 submitters: Uncertain significance (2); Likely benign (1). Last evaluated 2024-04-30.

Conditions:
Hereditary breast ovarian cancer syndrome. Also called: Hereditary breast and ovarian cancer; Hereditary breast and ovarian cancer syndrome (HBOC); Breast and ovarian cancer; Hereditary breast and ovarian cancer syndrome; BRCA1- and BRCA2-Associated Hereditary Breast and Ovarian Cancer; Hereditary breast and/or ovarian cancer syndrome. Identifiers: Orphanet 145, MedGen C0677776, MeSH D061325, MONDO:0003582. Disease mechanism: loss of function.
Hereditary cancer-predisposing syndrome. Also called: Tumor predisposition; Neoplastic Syndromes, Hereditary; Hereditary neoplastic syndrome; Hereditary Cancer Syndrome. Identifiers: Orphanet 140162, MedGen C0027672, MeSH D009386, MONDO:0015356.

Submissions (3):

Color Diagnostics, LLC DBA Color Health
Classification: Uncertain significance for Hereditary cancer-predisposing syndrome. Last evaluated: 2024-04-30. Review status: criteria provided, single submitter. Criteria: ACMG Guidelines, 2015. Collection method: clinical testing. Allele origin: germline.
Comment: This missense variant replaces lysine with glutamic acid at codon 1208 of the BRCA1 protein. Computational prediction tool is inconclusive regarding the impact of p.Lys1208Glu on protein structure and function. To our knowledge, functional studies have not been performed for this variant. This variant has not been reported in individuals affected with hereditary cancer in the literature. This variant has not been identified in the general population by the Genome Aggregation Database (gnomAD). The available evidence is insufficient to determine the role of this variant in disease conclusively. Therefore, this variant is classified as a Variant of Uncertain Significance.

Labcorp Genetics (formerly Invitae), Labcorp
Classification: Uncertain significance for Hereditary breast ovarian cancer syndrome. Last evaluated: 2023-09-21. Review status: criteria provided, single submitter. Criteria: Invitae Variant Classification Sherloc (09022015). Collection method: clinical testing. Allele origin: germline.
Comment: In summary, the available evidence is currently insufficient to determine the role of this variant in disease. Therefore, it has been classified as a Variant of Uncertain Significance. Algorithms developed to predict the effect of missense changes on protein structure and function output the following: SIFT: "Not Available"; PolyPhen-2: "Not Available"; Align-GVGD: "Not Available". The glutamic acid amino acid residue is found in multiple mammalian species, which suggests that this missense change does not adversely affect protein function. ClinVar contains an entry for this variant (Variation ID: 630631). This variant has not been reported in the literature in individuals affected with BRCA1-related conditions. Information on the frequency of this variant in the gnomAD database is not available, as this variant may be reported differently in the database. This sequence change replaces lysine, which is basic and polar, with glutamic acid, which is acidic and polar, at codon 1208 of the BRCA1 protein (p.Lys1208Glu).

University of Washington Department of Laboratory Medicine, University of Washington
Classification: Likely benign for Hereditary cancer-predisposing syndrome. Last evaluated: 2023-03-23. Review status: criteria provided, single submitter. Criteria: Dines et al. (Genet Med. 2020). Collection method: curation. Allele origin: germline.
Comment: Missense variant in a coldspot region where missense variants are very unlikely to be pathogenic (PMID:31911673).

BRCA1 coldspot (exon 11 using historical exon numbering). Reclassification based on statistical prior probability